The following is an entry in ClinVar:

NM_006306.4(SMC1A):c.947A>G (p.Lys316Arg)

Gene: SMC1A (structural maintenance of chromosomes 1A; minus strand). Cytogenetic location: Xp11.22.
Variant type: single nucleotide variant.
Coding change: c.947A>G on transcript NM_006306.4 (MANE Select); coding-DNA position 947, A replaced by G.
Protein change: p.Lys316Arg; replaces lysine 316 with arginine.
Molecular consequence: missense variant.
Genome position (GRCh38, 1-based): chrX:53,412,161, T>C on the plus strand (A>G on the coding strand, the complement: SMC1A is on the minus strand). VCF-style: chrX-53412161-T-C. GRCh37 (hg19) VCF-style: chrX-53439111-T-C.
Other names: c.881A>G, p.Lys294Arg (NM_001281463.1); short protein forms K316R, K294R.
Identifiers: ClinVar variation 1923352 (VCV001923352.5), dbSNP rs1377540307, ClinGen allele CA413257755.

ClinVar aggregate classification (germline): Uncertain significance (1 of 4 stars; one submission).

Conditions:
Congenital muscular hypertrophy-cerebral syndrome (CDLS2). Also called: SMC1A-Related Cornelia de Lange Syndrome; Cornelia de Lange syndrome 2. Identifiers: Orphanet 199, MedGen C1802395, MONDO:0010370, OMIM 300590.

Allele frequency attached by ClinVar (database versions not stated): gnomAD exomes below 0.00001; TOPMed below 0.00001; gnomAD 0.00001.
gnomAD v4.1: 2 of 1,210,145 alleles (0.00017%); highest among the groups gnomAD compares: Non-Finnish European, 0.00022%; no homozygotes.

Submission:

Labcorp Genetics (formerly Invitae), Labcorp
Classification: Uncertain significance for Congenital muscular hypertrophy-cerebral syndrome. Last evaluated: 2022-07-06. Review status: criteria provided, single submitter. Criteria: Invitae Variant Classification Sherloc (09022015). Collection method: clinical testing. Allele origin: germline.
Comment: This sequence change replaces lysine, which is basic and polar, with arginine, which is basic and polar, at codon 316 of the SMC1A protein (p.Lys316Arg). This variant is not present in population databases (gnomAD no frequency). This variant has not been reported in the literature in individuals affected with SMC1A-related conditions. Advanced modeling of protein sequence and biophysical properties (such as structural, functional, and spatial information, amino acid conservation, physicochemical variation, residue mobility, and thermodynamic stability) performed at Invitae indicates that this missense variant is not expected to disrupt SMC1A protein function. In summary, the available evidence is currently insufficient to determine the role of this variant in disease. Therefore, it has been classified as a Variant of Uncertain Significance.